The following is an entry in ClinVar:

ClinVar aggregate classification (germline): Uncertain significance. Review status: criteria provided, multiple submitters, no conflicts (2 of 4 stars). 3 submissions from 3 submitters: Uncertain significance (3). Last evaluated 2025-02-05.

Conditions:
Monocytopenia with susceptibility to infections. Also called: GATA2 DEFICIENCY; MONOCYTOPENIA AND MYCOBACTERIAL INFECTION SYNDROME; MONOCYTOPENIA WITH SUSCEPTIBILITY TO MYCOBACTERIAL, FUNGAL, AND PAPILLOMAVIRUS INFECTIONS AND MYELODYSPLASIA; COMBINED IMMUNODEFICIENCY WITH SUSCEPTIBILITY TO MYCOBACTERIAL, VIRAL, AND FUNGAL INFECTIONS; Dendritic cell, monocyte, B lymphocyte, and natural killer lymphocyte deficiency; IMMUNODEFICIENCY 21. Identifiers: Orphanet 228423, MedGen C3280030, MONDO:0013607, OMIM 614172.
Deafness-lymphedema-leukemia syndrome. Also called: Lymphedema, primary, with myelodysplasia; Emberger syndrome. Identifiers: Orphanet 3226, MedGen C3279664, MONDO:0013540, OMIM 614038.
Inborn genetic diseases. Identifiers: MedGen C0950123, MeSH D030342.

Allele frequency attached by ClinVar (database versions not stated): TOPMed below 0.00001; gnomAD 0.00001.

Submissions (3):

Ambry Genetics
Classification: Uncertain significance for Inborn genetic diseases. Last evaluated: 2025-02-05. Review status: criteria provided, single submitter. Criteria: Ambry Variant Classification Scheme 2023. Collection method: clinical testing. Allele origin: germline.
Comment: The p.G310S variant (also known as c.928G>A), located in coding exon 3 of the GATA2 gene, results from a G to A substitution at nucleotide position 928. The glycine at codon 310 is replaced by serine, an amino acid with similar properties. This amino acid position is highly conserved in available vertebrate species. In addition, the in silico prediction for this alteration is inconclusive. Based on the available evidence, the clinical significance of this variant remains unclear.

GeneDx
Classification: Uncertain significance. Last evaluated: 2024-08-02. Review status: criteria provided, single submitter. Criteria: GeneDx Variant Classification Process June 2021. Collection method: clinical testing. Allele origin: germline. Affected: yes.
Comment: Not observed at significant frequency in large population cohorts (gnomAD); In silico analysis supports that this missense variant has a deleterious effect on protein structure/function; Has not been previously published as pathogenic or benign to our knowledge; This variant is associated with the following publications: (PMID: 1714909, 28179282)

Labcorp Genetics (formerly Invitae), Labcorp
Classification: Uncertain significance for Monocytopenia with susceptibility to infections; Deafness-lymphedema-leukemia syndrome. Last evaluated: 2023-09-24. Review status: criteria provided, single submitter. Criteria: Invitae Variant Classification Sherloc (09022015). Collection method: clinical testing. Allele origin: germline.
Comment: In summary, the available evidence is currently insufficient to determine the role of this variant in disease. Therefore, it has been classified as a Variant of Uncertain Significance. Advanced modeling of protein sequence and biophysical properties (such as structural, functional, and spatial information, amino acid conservation, physicochemical variation, residue mobility, and thermodynamic stability) has been performed at Invitae for this missense variant, however the output from this modeling did not meet the statistical confidence thresholds required to predict the impact of this variant on GATA2 protein function. ClinVar contains an entry for this variant (Variation ID: 1415433). This variant has not been reported in the literature in individuals affected with GATA2-related conditions. This variant is not present in population databases (gnomAD no frequency). This sequence change replaces glycine, which is neutral and non-polar, with serine, which is neutral and polar, at codon 310 of the GATA2 protein (p.Gly310Ser).

NM_032638.5(GATA2):c.928G>A (p.Gly310Ser)

Gene: GATA2 (GATA binding protein 2; minus strand). Cytogenetic location: 3q21.3.
Variant type: single nucleotide variant.
Coding change: c.928G>A on transcript NM_032638.5 (MANE Select); coding-DNA position 928, G replaced by A.
Protein change: p.Gly310Ser; replaces glycine 310 with serine.
Molecular consequence: missense variant.
Genome position (GRCh38, 1-based): chr3:128,483,949, C>T on the plus strand (G>A on the coding strand, the complement: GATA2 is on the minus strand). VCF-style: chr3-128483949-C-T. GRCh37 (hg19) VCF-style: chr3-128202792-C-T.
Other names: c.928G>A, p.Gly310Ser (NM_001145661.2, NM_001145662.1); c.928G>A (NM_032638.4); short protein forms G310S.
Identifiers: ClinVar variation 1415433 (VCV001415433.10), dbSNP rs1262581730, ClinGen allele CA354404655.